The following is an entry in ClinVar:

NM_018713.3(SLC30A10):c.907G>A (p.Ala303Thr)

Gene: SLC30A10 (solute carrier family 30 member 10; minus strand). Cytogenetic location: 1q41.
Variant type: single nucleotide variant.
Coding change: c.907G>A on transcript NM_018713.3 (MANE Select); coding-DNA position 907, G replaced by A.
Protein change: p.Ala303Thr; replaces alanine 303 with threonine.
Molecular consequence: missense variant. On other transcripts: non-coding transcript variant (2).
Genome position (GRCh38, 1-based): chr1:219,918,306, C>T on the plus strand (G>A on the coding strand, the complement: SLC30A10 is on the minus strand). VCF-style: chr1-219918306-C-T. GRCh37 (hg19) VCF-style: chr1-220091648-C-T.
Other names: c.718G>A, p.Ala240Thr (NM_001376929.1); short protein forms A303T, A240T.
Identifiers: ClinVar variation 295587 (VCV000295587.8), dbSNP rs34097842, ClinGen allele CA1399214.
Genomic context (GRCh38, chr1:219,918,306, plus strand): 5'-TCTACTTACTCAGCTCTTCCATGTTGACTCCTTTTGGGACCATCTGTAGCAGAATGGCAG[C>T]GGTCTCCTTGATAAGCGGGAAGGCAGATGACAAAATGATGATGACCATGAGGACAGTCAG-3'
Protein context (NP_061183.2, residues 293-313): SSAFPLIKET[Ala303Thr]AILLQMVPKG

ClinVar aggregate classification (germline): Uncertain significance. Review status: criteria provided, multiple submitters, no conflicts (2 of 4 stars). 2 submissions from 2 submitters: Uncertain significance (2). Last evaluated 2024-10-22.

Conditions:
Hypermanganesemia with dystonia, polycythemia, and cirrhosis (HMNDYT1). Also called: Hepatic Cirrhosis, Dystonia, Polycythemia and Hypermanganesemia; Cirrhosis - dystonia - polycythemia - hypermanganesemia syndrome; Hypermanganesemia with Dystonia 1. Identifiers: Orphanet 309854, MedGen C2750442, MONDO:0013208, OMIM 613280.

Allele frequency attached by ClinVar (database versions not stated): gnomAD 0.00003; ExAC 0.00007; gnomAD exomes 0.00010 and 0.00011; TOPMed 0.00010; 1000 Genomes Project 30x 0.00016; 1000 Genomes Project 0.00020.

Submissions (2):

Labcorp Genetics (formerly Invitae), Labcorp
Classification: Uncertain significance. Last evaluated: 2024-10-22. Review status: criteria provided, single submitter. Criteria: Invitae Variant Classification Sherloc (09022015). Collection method: clinical testing. Allele origin: germline.
Comment: This sequence change replaces alanine, which is neutral and non-polar, with threonine, which is neutral and polar, at codon 303 of the SLC30A10 protein (p.Ala303Thr). This variant is present in population databases (rs34097842, gnomAD 0.02%). This variant has not been reported in the literature in individuals affected with SLC30A10-related conditions. ClinVar contains an entry for this variant (Variation ID: 295587). Invitae Evidence Modeling of protein sequence and biophysical properties (such as structural, functional, and spatial information, amino acid conservation, physicochemical variation, residue mobility, and thermodynamic stability) has been performed for this missense variant. However, the output from this modeling did not meet the statistical confidence thresholds required to predict the impact of this variant on SLC30A10 protein function. In summary, the available evidence is currently insufficient to determine the role of this variant in disease. Therefore, it has been classified as a Variant of Uncertain Significance.

Illumina Laboratory Services, Illumina
Classification: Uncertain significance for Hypermanganesemia with dystonia, polycythemia, and cirrhosis. Last evaluated: 2018-01-12. Review status: criteria provided, single submitter. Criteria: ICSL Variant Classification Criteria 13 December 2019. Collection method: clinical testing. Allele origin: germline.